The following is an entry in ClinVar:

NM_021224.6(ZNF462):c.2760C>G (p.His920Gln)

Gene: ZNF462 (zinc finger protein 462; plus strand). Cytogenetic location: 9q31.2.
Variant type: single nucleotide variant.
Coding change: c.2760C>G on transcript NM_021224.6 (MANE Select); coding-DNA position 2760, C replaced by G.
Protein change: p.His920Gln; replaces histidine 920 with glutamine.
Molecular consequence: missense variant.
Genome position (GRCh38, 1-based): chr9:106,926,672, C>G. VCF-style: chr9-106926672-C-G. GRCh37 (hg19) VCF-style: chr9-109688953-C-G.
Other names: c.2760C>G, p.His920Gln (NM_001347997.2); short protein forms H920Q.
Identifiers: ClinVar variation 3254945 (VCV003254945.1), dbSNP rs2538759741.

ClinVar aggregate classification (germline): Uncertain significance (1 of 4 stars; one submission).

Conditions:
Weiss-Kruszka syndrome. Also called: Metopic ridging-ptosis-facial dysmorphism syndrome. Identifiers: Orphanet 502430, MedGen C5568107, MONDO:0032836, OMIM 618619.

Allele frequency attached by ClinVar (database versions not stated): gnomAD exomes below 0.00001.
gnomAD v4.1: 2 of 1,614,118 alleles (0.00012%); no homozygotes.

Submission:

Victorian Clinical Genetics Services, Murdoch Childrens Research Institute
Classification: Uncertain significance for Weiss-Kruszka syndrome. Last evaluated: 2023-07-17. Review status: criteria provided, single submitter. Criteria: ACMG Guidelines, 2015. Collection method: clinical testing. Allele origin: germline. Inheritance: Autosomal dominant inheritance. Affected: yes.
Comment: Based on the classification scheme VCGS_Germline_v1.3.4, this variant is classified as VUS-3B. Following criteria are met: 0102 - Loss of function is a known mechanism of disease in this gene and is associated with Weiss-Kruszka syndrome (MIM#618619). The mechanism of missense variants is unclear. (I) 0107 - This gene is associated with autosomal dominant disease. (I) 0200 - Variant is predicted to result in a missense amino acid change from histidine to glutamine. (I) 0251 - This variant is heterozygous. (I) 0301 - Variant is absent from gnomAD (both v2 and v3). (SP) 0503 - Missense variant consistently predicted to be tolerated by multiple in silico tools or not conserved in placental mammals with a minor amino acid change. (SB) 0604 - Variant is not located in an established domain, motif, hotspot or informative constraint region. (I) 0705 - No comparable missense variants have previous evidence for pathogenicity. (I) 0807 - This variant has no previous evidence of pathogenicity. (I) 0905 - No published segregation evidence has been identified for this variant. (I) 1007 - No published functional evidence has been identified for this variant. (I) 1208 - Inheritance information for this variant is not currently available in this individual. (I) Legend: (SP) - Supporting pathogenic, (I) - Information, (SB) - Supporting benign